The following is an entry in ClinVar:

NM_001364857.2(ADGRB2):c.4036G>T (p.Gly1346Cys)

Gene: ADGRB2 (adhesion G protein-coupled receptor B2; minus strand). Cytogenetic location: 1p35.2.
Variant type: single nucleotide variant.
Coding change: c.4036G>T on transcript NM_001364857.2 (MANE Select); coding-DNA position 4036, G replaced by T.
Protein change: p.Gly1346Cys; replaces glycine 1346 with cysteine.
Molecular consequence: missense variant.
Genome position (GRCh38, 1-based): chr1:31,731,144, C>A on the plus strand (G>T on the coding strand, the complement: ADGRB2 is on the minus strand). VCF-style: chr1-31731144-C-A. GRCh37 (hg19) VCF-style: chr1-32196745-C-A.
Other names: c.4036G>T, p.Gly1346Cys (NM_001294335.2); c.3937G>T, p.Gly1313Cys (NM_001294336.2); short protein forms G1346C, G1313C.
Identifiers: ClinVar variation 4740773 (VCV004740773.1).

ClinVar aggregate classification (germline): Uncertain significance (1 of 4 stars; one submission).

gnomAD v4.1: 5 of 1,594,764 alleles (0.00031%); highest among the groups gnomAD compares: Admixed American, 0.0087%; no homozygotes.

Submission:

Labcorp Genetics (formerly Invitae), Labcorp
Classification: Uncertain significance. Last evaluated: 2025-10-08. Review status: criteria provided, single submitter. Criteria: Invitae Variant Classification Sherloc (09022015). Collection method: clinical testing. Allele origin: germline.
Comment: This sequence change replaces glycine, which is neutral and non-polar, with cysteine, which is neutral and slightly polar, at codon 1313 of the ADGRB2 protein (p.Gly1313Cys). The frequency data for this variant in the population databases is considered unreliable, as metrics indicate poor data quality at this position in the gnomAD database. This variant has not been reported in the literature in individuals affected with ADGRB2-related conditions. Experimental studies and prediction algorithms are not available or were not evaluated, and the functional significance of this variant is currently unknown. In summary, the available evidence is currently insufficient to determine the role of this variant in disease. Therefore, it has been classified as a Variant of Uncertain Significance.